The following is an entry in ClinVar:

NM_001035.3(RYR2):c.4839A>G (p.Glu1613=)

Gene: RYR2 (ryanodine receptor 2; plus strand). Cytogenetic location: 1q43.
Variant type: single nucleotide variant.
Coding change: c.4839A>G on transcript NM_001035.3 (MANE Select); coding-DNA position 4839, A replaced by G.
Protein change: p.Glu1613=; no amino-acid change (glutamic acid 1613 retained).
Molecular consequence: synonymous variant.
Genome position (GRCh38, 1-based): chr1:237,610,917, A>G. VCF-style: chr1-237610917-A-G. GRCh37 (hg19) VCF-style: chr1-237774217-A-G.
Identifiers: ClinVar variation 3075096 (VCV003075096.2), dbSNP rs983625861, ClinGen allele CA39825025.

ClinVar aggregate classification (germline): Likely benign. Review status: criteria provided, multiple submitters, no conflicts (2 of 4 stars). 2 submissions from 2 submitters: Likely benign (2). Last evaluated 2026-01-08.

Conditions:
Catecholaminergic polymorphic ventricular tachycardia (CVPT). Also called: Catecholamine-induced polymorphic ventricular tachycardia. Identifiers: Orphanet 3286, MedGen C5574922, MONDO:0017990.
Catecholaminergic polymorphic ventricular tachycardia 1. Also called: VENTRICULAR TACHYCARDIA, CATECHOLAMINERGIC POLYMORPHIC, 1, WITH OR WITHOUT ATRIAL DYSFUNCTION AND/OR DILATED CARDIOMYOPATHY; RYR2-Related Catecholaminergic Polymorphic Ventricular Tachycardia; VENTRICULAR TACHYCARDIA, STRESS-INDUCED POLYMORPHIC 1. Identifiers: Orphanet 3286, MedGen C1631597, MONDO:0011484, OMIM 604772.

Allele frequency attached by ClinVar (database versions not stated): TOPMed below 0.00001.

Submissions (2):

Labcorp Genetics (formerly Invitae), Labcorp
Classification: Likely benign for Catecholaminergic polymorphic ventricular tachycardia 1. Last evaluated: 2026-01-08. Review status: criteria provided, single submitter. Criteria: Invitae Variant Classification Sherloc (09022015). Collection method: clinical testing. Allele origin: germline.

All of Us Research Program, National Institutes of Health
Classification: Likely benign for Catecholaminergic polymorphic ventricular tachycardia. Last evaluated: 2023-12-18. Review status: criteria provided, single submitter. Criteria: ACMG Guidelines, 2015. Collection method: clinical testing. Allele origin: germline. Inheritance: Autosomal dominant inheritance. Observed: 1 variant allele, 1 heterozygote.
Comment: This study involves interpretation of variants in research participants for the purpose of population health screening. Participant phenotype was not available at the time of variant classification. Additional details can be found in publication PMID: 35346344, PMCID: PMC8962531